The following is an entry in ClinVar:

NM_000313.4(PROS1):c.1156-1G>C

Gene: PROS1 (protein S; minus strand). Cytogenetic location: 3q11.1.
Variant type: single nucleotide variant.
Coding change: c.1156-1G>C on transcript NM_000313.4 (MANE Select); the canonical splice acceptor site of the intron before coding-DNA position 1156, G replaced by C.
Molecular consequence: splice acceptor variant.
Genome position (GRCh38, 1-based): chr3:93,886,504, C>G on the plus strand (G>C on the coding strand, the complement: PROS1 is on the minus strand). VCF-style: chr3-93886504-C-G. GRCh37 (hg19) VCF-style: chr3-93605348-C-G.
Other names: p.?; c.1252-1G>C (NM_001314077.2).
Identifiers: ClinVar variation 4540898 (VCV004540898.1).

ClinVar aggregate classification (germline): Likely pathogenic (1 of 4 stars; one submission).

Submission:

Mayo Clinic Laboratories, Mayo Clinic
Classification: Likely pathogenic. Last evaluated: 2024-12-09. Review status: criteria provided, single submitter. Criteria: ACMG Guidelines, 2015. Collection method: clinical testing. Allele origin: germline. Observed: 1 variant allele.
Comment: PM2_supporting, PS1_moderate, PVS1_strong

Literature cited by the submitters: PubMed 10447256.